The following is an entry in ClinVar:

NM_000455.5(STK11):c.955C>T (p.Pro319Ser)

Gene: STK11 (serine/threonine kinase 11; plus strand). Cytogenetic location: 19p13.3.
Variant type: single nucleotide variant.
Coding change: c.955C>T on transcript NM_000455.5 (MANE Select); coding-DNA position 955, C replaced by T.
Protein change: p.Pro319Ser; replaces proline 319 with serine.
Molecular consequence: missense variant.
Genome position (GRCh38, 1-based): chr19:1,223,019, C>T. VCF-style: chr19-1223019-C-T. GRCh37 (hg19) VCF-style: chr19-1223018-C-T.
Other names: short protein forms P319S.
Identifiers: ClinVar variation 1368454 (VCV001368454.6), dbSNP rs2145430747, ClinGen allele CA402951529.

ClinVar aggregate classification (germline): Uncertain significance. Review status: criteria provided, multiple submitters, no conflicts (2 of 4 stars). 2 submissions from 2 submitters: Uncertain significance (2). Last evaluated 2025-09-18.

Conditions:
Peutz-Jeghers syndrome (PJS). Also called: Peutz-Jeghers polyposis; Periorificial lentiginosis syndrome; POLYPOSIS, HAMARTOMATOUS INTESTINAL; POLYPS-AND-SPOTS SYNDROME. Identifiers: Orphanet 2869, MedGen C0031269, MeSH D010580, MONDO:0008280, OMIM 175200.
Hereditary cancer-predisposing syndrome. Also called: Hereditary neoplastic syndrome; Hereditary Cancer Syndrome; Neoplastic Syndromes, Hereditary; Tumor predisposition. Identifiers: Orphanet 140162, MedGen C0027672, MeSH D009386, MONDO:0015356.

Submissions (2):

Color Diagnostics, LLC DBA Color Health
Classification: Uncertain significance for Hereditary cancer-predisposing syndrome. Last evaluated: 2025-09-18. Review status: criteria provided, single submitter. Criteria: ACMG Guidelines, 2015. Collection method: clinical testing. Allele origin: germline.
Comment: This missense variant replaces proline with serine at codon 319 of the STK11 protein. Computational prediction suggests that this variant may not impact protein structure and function. To our knowledge, functional studies have not been reported for this variant. This variant has not been reported in individuals affected with STK11-related disorders in the literature. This variant has not been identified in the general population by the Genome Aggregation Database (gnomAD). The available evidence is insufficient to determine the role of this variant in disease conclusively. Therefore, this variant is classified as a Variant of Uncertain Significance.

Labcorp Genetics (formerly Invitae), Labcorp
Classification: Uncertain significance for Peutz-Jeghers syndrome. Last evaluated: 2021-12-11. Review status: criteria provided, single submitter. Criteria: Invitae Variant Classification Sherloc (09022015). Collection method: clinical testing. Allele origin: germline.
Comment: In summary, the available evidence is currently insufficient to determine the role of this variant in disease. Therefore, it has been classified as a Variant of Uncertain Significance. Advanced modeling of experimental studies (such as gene expression, population dynamics, functional pathways, and cell-cycle effects in cell culture) performed at Invitae indicates that this missense variant is not expected to disrupt STK11 protein function. This variant has not been reported in the literature in individuals affected with STK11-related conditions. This variant is not present in population databases (gnomAD no frequency). This sequence change replaces proline, which is neutral and non-polar, with serine, which is neutral and polar, at codon 319 of the STK11 protein (p.Pro319Ser).